The following is an entry in ClinVar:

NC_000016.9:g.(?_89836962)_(89838232_?)del

Gene: FANCA (FA complementation group A; minus strand). Cytogenetic location: 16q24.3.
Variant type: Deletion.
Identifiers: ClinVar variation 1457871 (VCV001457871.3).

ClinVar aggregate classification (germline): Pathogenic (1 of 4 stars; one submission).

Conditions:
Fanconi anemia (FA). Also called: Fanconi's anemia. Identifiers: Orphanet 84, MedGen C0015625, MeSH D005199, MONDO:0019391.

Submission:

Labcorp Genetics (formerly Invitae), Labcorp
Classification: Pathogenic for Fanconi anemia. Last evaluated: 2021-11-10. Review status: criteria provided, single submitter. Criteria: Invitae Variant Classification Sherloc (09022015). Collection method: clinical testing. Allele origin: germline.
Comment: This variant is a gross deletion of the genomic region encompassing exon(s) 23-24 of the FANCA gene. This deletion is out-of-frame, and is expected to create a premature termination codon and result in an absent or disrupted protein product. Loss-of-function variants in FANCA are known to be pathogenic (PMID: 19367192). This variant has not been reported in the literature in individuals affected with FANCA-related conditions. For these reasons, this variant has been classified as Pathogenic.

Literature cited by the submitters: PubMed 19367192.